The following is an entry in ClinVar:

NM_015662.3(IFT172):c.3153C>A (p.His1051Gln)

Gene: IFT172 (intraflagellar transport 172; minus strand). Cytogenetic location: 2p23.3.
Variant type: single nucleotide variant.
Coding change: c.3153C>A on transcript NM_015662.3 (MANE Select); coding-DNA position 3153, C replaced by A.
Protein change: p.His1051Gln; replaces histidine 1051 with glutamine.
Molecular consequence: missense variant.
Genome position (GRCh38, 1-based): chr2:27,457,714, G>T on the plus strand (C>A on the coding strand, the complement: IFT172 is on the minus strand). VCF-style: chr2-27457714-G-T. GRCh37 (hg19) VCF-style: chr2-27680581-G-T.
Other names: c.3087C>A, p.His1029Gln (NM_001410739.1); short protein forms H1029Q, H1051Q.
Identifiers: ClinVar variation 3346904 (VCV003346904.1).

ClinVar aggregate classification (germline): Uncertain significance (0 of 4 stars; one submission).

Conditions:
IFT172-related disorder. Also called: IFT172-related disorders; IFT172-related condition.

Submission:

PreventionGenetics, part of Exact Sciences
Classification: Uncertain significance for IFT172-related condition. Last evaluated: 2024-05-08. Review status: no assertion criteria provided. Collection method: clinical testing. Allele origin: germline.
Comment: The IFT172 c.3153C>A variant is predicted to result in the amino acid substitution p.His1051Gln. To our knowledge, this variant has not been reported in the literature or in a large population database, indicating this variant is rare. At this time, the clinical significance of this variant is uncertain due to the absence of conclusive functional and genetic evidence.